The following is an entry in ClinVar:

ClinVar aggregate classification (germline): Uncertain significance. Review status: criteria provided, single submitter (1 of 4 stars). 2 submissions from 2 submitters: Uncertain significance (1). 1 of the submissions does not count toward it. Last evaluated 2025-10-23.

Conditions:
TOPBP1-related disorder. Also called: TOPBP1-related condition.

Allele frequency attached by ClinVar (database versions not stated): 1000 Genomes Project 30x 0.00016; 1000 Genomes Project 0.00020.
gnomAD v4.1: 549 of 1,613,178 alleles (0.034%); highest among the groups gnomAD compares: South Asian, 0.47%; 8 homozygotes.

Submissions (2):

Ambry Genetics
Classification: Uncertain significance. Last evaluated: 2025-10-23. Review status: criteria provided, single submitter. Criteria: Ambry Variant Classification Scheme 2023. Collection method: clinical testing. Allele origin: germline.

PreventionGenetics, part of Exact Sciences
Classification: Likely benign for TOPBP1-related condition. Last evaluated: 2019-12-30. Review status: no assertion criteria provided. Collection method: clinical testing. Allele origin: germline. Not counted in ClinVar's aggregate classification.
Comment: This variant is classified as likely benign based on ACMG/AMP sequence variant interpretation guidelines (Richards et al. 2015 PMID: 25741868, with internal and published modifications).

NM_007027.4(TOPBP1):c.3733C>G (p.Pro1245Ala)

Gene: TOPBP1 (DNA topoisomerase II binding protein 1; minus strand). Cytogenetic location: 3q22.1.
Variant type: single nucleotide variant.
Coding change: c.3733C>G on transcript NM_007027.4 (MANE Select); coding-DNA position 3733, C replaced by G.
Protein change: p.Pro1245Ala; replaces proline 1245 with alanine.
Molecular consequence: missense variant.
Genome position (GRCh38, 1-based): chr3:133,617,186, G>C on the plus strand (C>G on the coding strand, the complement: TOPBP1 is on the minus strand). VCF-style: chr3-133617186-G-C. GRCh37 (hg19) VCF-style: chr3-133336030-G-C.
Other names: c.3718C>G, p.Pro1240Ala (NM_001363889.2); short protein forms P1240A, P1245A.
Identifiers: ClinVar variation 3055420 (VCV003055420.3), dbSNP rs201221333, ClinGen allele CA2623925.